The following is an entry in ClinVar:

NM_015021.3(ZNF292):c.863A>G (p.Asp288Gly)

Gene: ZNF292 (zinc finger protein 292; plus strand). Cytogenetic location: 6q14.3.
Variant type: single nucleotide variant.
Coding change: c.863A>G on transcript NM_015021.3 (MANE Select); coding-DNA position 863, A replaced by G.
Protein change: p.Asp288Gly; replaces aspartic acid 288 with glycine.
Molecular consequence: missense variant.
Genome position (GRCh38, 1-based): chr6:87,243,596, A>G. VCF-style: chr6-87243596-A-G. GRCh37 (hg19) VCF-style: chr6-87953314-A-G.
Other names: c.443A>G, p.Asp148Gly (NM_001351444.2); short protein forms D148G, D288G.
Identifiers: ClinVar variation 4690061 (VCV004690061.1).

ClinVar aggregate classification (germline): Uncertain significance (1 of 4 stars; one submission).

Submission:

GeneDx
Classification: Uncertain significance. Last evaluated: 2025-07-28. Review status: criteria provided, single submitter. Criteria: GeneDx Variant Classification Process June 2021. Collection method: clinical testing. Allele origin: germline. Affected: yes.
Comment: Not observed at significant frequency in large population cohorts (gnomAD); In silico analysis supports that this missense variant has a deleterious effect on protein structure/function; In silico analysis supports a deleterious effect on splicing; Has not been previously published as pathogenic or benign to our knowledge